The following is an entry in ClinVar:

NM_020433.5(JPH2):c.575C>T (p.Ser192Leu)

Gene: JPH2 (junctophilin 2; minus strand). Cytogenetic location: 20q13.12.
Variant type: single nucleotide variant.
Coding change: c.575C>T on transcript NM_020433.5 (MANE Select); coding-DNA position 575, C replaced by T.
Protein change: p.Ser192Leu; replaces serine 192 with leucine.
Molecular consequence: missense variant.
Genome position (GRCh38, 1-based): chr20:44,160,212, G>A on the plus strand (C>T on the coding strand, the complement: JPH2 is on the minus strand). VCF-style: chr20-44160212-G-A. GRCh37 (hg19) VCF-style: chr20-42788852-G-A.
Other names: short protein forms S192L.
Identifiers: ClinVar variation 1517977 (VCV001517977.10), dbSNP rs1481973487, ClinGen allele CA409094108.

ClinVar aggregate classification (germline): Uncertain significance. Review status: criteria provided, multiple submitters, no conflicts (2 of 4 stars). 2 submissions from 2 submitters: Uncertain significance (2). Last evaluated 2022-02-20.

Conditions:
Cardiovascular phenotype. Identifiers: MedGen CN230736.
Hypertrophic cardiomyopathy. Also called: HYPERTROPHIC MYOCARDIOPATHY. Identifiers: Orphanet 217569, MedGen C0007194, MeSH D002312, MONDO:0005045, HP:0001639.

Allele frequency attached by ClinVar (database versions not stated): TOPMed below 0.00001; gnomAD 0.00001; gnomAD exomes 0.00001.
gnomAD v4.1: 9 of 1,426,526 alleles (0.00063%); highest among the groups gnomAD compares: East Asian, 0.0029%; no homozygotes.

Submissions (2):

Ambry Genetics
Classification: Uncertain significance for Cardiovascular phenotype. Last evaluated: 2022-02-20. Review status: criteria provided, single submitter. Criteria: Ambry Variant Classification Scheme 2023. Collection method: clinical testing. Allele origin: germline.
Comment: The p.S192L variant (also known as c.575C>T), located in coding exon 2 of the JPH2 gene, results from a C to T substitution at nucleotide position 575. The serine at codon 192 is replaced by leucine, an amino acid with dissimilar properties. This amino acid position is conserved. In addition, this alteration is predicted to be tolerated by in silico analysis. Since supporting evidence is limited at this time, the clinical significance of this alteration remains unclear.

Labcorp Genetics (formerly Invitae), Labcorp
Classification: Uncertain significance for Hypertrophic cardiomyopathy. Last evaluated: 2021-03-17. Review status: criteria provided, single submitter. Criteria: Invitae Variant Classification Sherloc (09022015). Collection method: clinical testing. Allele origin: germline.
Comment: In summary, the available evidence is currently insufficient to determine the role of this variant in disease. Therefore, it has been classified as a Variant of Uncertain Significance. Algorithms developed to predict the effect of missense changes on protein structure and function output the following: SIFT: "Tolerated"; PolyPhen-2: "Benign"; Align-GVGD: "Class C0". The leucine amino acid residue is found in multiple mammalian species, suggesting that this missense change does not adversely affect protein function. These predictions have not been confirmed by published functional studies and their clinical significance is uncertain. This variant has not been reported in the literature in individuals with JPH2-related conditions. The frequency data for this variant in the population databases is considered unreliable, as metrics indicate insufficient coverage at this position in the ExAC database. This sequence change replaces serine with leucine at codon 192 of the JPH2 protein (p.Ser192Leu). The serine residue is weakly conserved and there is a large physicochemical difference between serine and leucine.